The following is an entry in ClinVar:

NM_001308210.2(TSHZ1):c.1280C>T (p.Thr427Met)

Gene: TSHZ1 (teashirt zinc finger homeobox 1; plus strand). Cytogenetic location: 18q22.3.
Variant type: single nucleotide variant.
Coding change: c.1280C>T on transcript NM_001308210.2 (MANE Select); coding-DNA position 1280, C replaced by T.
Protein change: p.Thr427Met; replaces threonine 427 with methionine.
Molecular consequence: missense variant.
Genome position (GRCh38, 1-based): chr18:75,286,687, C>T. VCF-style: chr18-75286687-C-T. GRCh37 (hg19) VCF-style: chr18-72998642-C-T.
Other names: c.1145C>T (NM_005786.5); c.1145C>T, p.Thr382Met (NM_005786.6); short protein forms T427M, T382M.
Identifiers: ClinVar variation 3974816 (VCV003974816.2).
Genomic context (GRCh38, chr18:75,286,687, plus strand): 5'-AGTTTGAGGCCCGCAAGGCGCAGATCCTCAAGTGCATGGAGTGTGGCAGCTCCCACGACA[C>T]GCTGCAGCAGCTCACCGCCCACATGATGGTCACCGGGCACTTCCTGAAAGTGACCACCTC-3'
Protein context (NP_001295139.1, residues 417-437): KCMECGSSHD[Thr427Met]LQQLTAHMMV

ClinVar aggregate classification (germline): Conflicting classifications of pathogenicity. Review status: criteria provided, conflicting classifications (1 of 4 stars). 2 submissions from 2 submitters: Uncertain significance (1); Likely benign (1). Last evaluated 2026-09-03.

Conditions:
TSHZ1-related disorder. Also called: TSHZ1-related condition.

gnomAD v4.1: 55 of 1,614,038 alleles (0.0034%); highest among the groups gnomAD compares: South Asian, 0.0022%; no homozygotes.

Submissions (2):

PreventionGenetics, part of Exact Sciences
Classification: Likely benign for TSHZ1-related condition. Last evaluated: 2026-09-03. Review status: criteria provided, single submitter. Criteria: ACMG Guidelines, 2015. Collection method: clinical testing. Allele origin: germline.
Comment: This variant is classified as likely benign based on ACMG/AMP sequence variant interpretation guidelines (Richards et al. 2015 PMID: 25741868, with internal and published modifications).

Ambry Genetics
Classification: Uncertain significance. Last evaluated: 2025-04-03. Review status: criteria provided, single submitter. Criteria: Ambry Variant Classification Scheme 2023. Collection method: clinical testing. Allele origin: germline.